The following is an entry in ClinVar:

NM_032638.5(GATA2):c.319_320delinsAA (p.Ala107Asn)

Gene: GATA2 (GATA binding protein 2; minus strand). Cytogenetic location: 3q21.3.
Variant type: Indel.
Coding change: c.319_320delinsAA on transcript NM_032638.5 (MANE Select); coding-DNA positions 319 to 320, GC replaced by AA.
Protein change: p.Ala107Asn; replaces alanine 107 with asparagine.
Molecular consequence: missense variant.
Genome position (GRCh38, 1-based): chr3:128,486,278-128,486,279, GC replaced by TT on the plus strand (GC replaced by AA on the coding strand, the reverse complement: GATA2 is on the minus strand). VCF-style: chr3-128486278-GC-TT. GRCh37 (hg19) VCF-style: chr3-128205121-GC-TT.
Other names: c.319_320delinsAA, p.Ala107Asn (NM_001145661.2, NM_001145662.1); short protein forms A107N.
Identifiers: ClinVar variation 1477755 (VCV001477755.6), dbSNP rs2107672839, ClinGen allele CA2573136507.

ClinVar aggregate classification (germline): Uncertain significance (1 of 4 stars; one submission).

Conditions:
Deafness-lymphedema-leukemia syndrome. Also called: Emberger syndrome; Lymphedema, primary, with myelodysplasia. Identifiers: Orphanet 3226, MedGen C3279664, MONDO:0013540, OMIM 614038.
Monocytopenia with susceptibility to infections. Also called: IMMUNODEFICIENCY 21; GATA2 DEFICIENCY; MONOCYTOPENIA AND MYCOBACTERIAL INFECTION SYNDROME; MONOCYTOPENIA WITH SUSCEPTIBILITY TO MYCOBACTERIAL, FUNGAL, AND PAPILLOMAVIRUS INFECTIONS AND MYELODYSPLASIA; COMBINED IMMUNODEFICIENCY WITH SUSCEPTIBILITY TO MYCOBACTERIAL, VIRAL, AND FUNGAL INFECTIONS; Dendritic cell, monocyte, B lymphocyte, and natural killer lymphocyte deficiency. Identifiers: Orphanet 228423, MedGen C3280030, MONDO:0013607, OMIM 614172.

Submission:

Labcorp Genetics (formerly Invitae), Labcorp
Classification: Uncertain significance for Monocytopenia with susceptibility to infections; Deafness-lymphedema-leukemia syndrome. Last evaluated: 2021-09-26. Review status: criteria provided, single submitter. Criteria: Invitae Variant Classification Sherloc (09022015). Collection method: clinical testing. Allele origin: germline.
Comment: In summary, the available evidence is currently insufficient to determine the role of this variant in disease. Therefore, it has been classified as a Variant of Uncertain Significance. Algorithms developed to predict the effect of missense changes on protein structure and function are either unavailable or do not agree on the potential impact of this missense change (SIFT: "Not Available"; PolyPhen-2: "Possibly Damaging"; Align-GVGD: "Not Available"). This variant has not been reported in the literature in individuals affected with GATA2-related conditions. The frequency data for this variant in the population databases is not available, as this variant may be reported as separate entries in the ExAC database. This sequence change replaces alanine with asparagine at codon 107 of the GATA2 protein (p.Ala107Asn). The alanine residue is moderately conserved and there is a moderate physicochemical difference between alanine and asparagine.